The following is an entry in ClinVar:

NM_003640.5(ELP1):c.2161C>G (p.His721Asp)

Gene: ELP1 (elongator acetyltransferase complex subunit 1; minus strand). Cytogenetic location: 9q31.3.
Variant type: single nucleotide variant.
Coding change: c.2161C>G on transcript NM_003640.5 (MANE Select); coding-DNA position 2161, C replaced by G.
Protein change: p.His721Asp; replaces histidine 721 with aspartic acid.
Molecular consequence: missense variant.
Genome position (GRCh38, 1-based): chr9:108,899,865, G>C on the plus strand (C>G on the coding strand, the complement: ELP1 is on the minus strand). VCF-style: chr9-108899865-G-C. GRCh37 (hg19) VCF-style: chr9-111662145-G-C.
Other names: c.1819C>G, p.His607Asp (NM_001318360.2); c.1114C>G, p.His372Asp (NM_001330749.2); short protein forms H721D, H372D, H607D.
Identifiers: ClinVar variation 1371419 (VCV001371419.6), dbSNP rs1300413546, ClinGen allele CA374423130.

ClinVar aggregate classification (germline): Uncertain significance (1 of 4 stars; one submission).

Submission:

Labcorp Genetics (formerly Invitae), Labcorp
Classification: Uncertain significance. Last evaluated: 2022-08-16. Review status: criteria provided, single submitter. Criteria: Invitae Variant Classification Sherloc (09022015). Collection method: clinical testing. Allele origin: germline.
Comment: This sequence change replaces histidine, which is basic and polar, with aspartic acid, which is acidic and polar, at codon 721 of the ELP1 protein (p.His721Asp). ClinVar contains an entry for this variant (Variation ID: 1371419). This variant has not been reported in the literature in individuals affected with ELP1-related conditions. This variant is not present in population databases (gnomAD no frequency). In summary, the available evidence is currently insufficient to determine the role of this variant in disease. Therefore, it has been classified as a Variant of Uncertain Significance. Algorithms developed to predict the effect of missense changes on protein structure and function are either unavailable or do not agree on the potential impact of this missense change (SIFT: "Tolerated"; PolyPhen-2: "Probably Damaging"; Align-GVGD: "Class C15").